The following is an entry in ClinVar:

NM_005245.4(FAT1):c.13172G>C (p.Ser4391Thr)

Genes: FAT1 (FAT atypical cadherin 1; minus strand), LOC126807253 (BRD4-independent group 4 enhancer GRCh37_chr4:187509297-187510496; plus strand). Cytogenetic location: 4q35.2.
Variant type: single nucleotide variant.
Coding change: c.13172G>C on transcript NM_005245.4 (MANE Select); coding-DNA position 13172, G replaced by C.
Protein change: p.Ser4391Thr; replaces serine 4391 with threonine.
Molecular consequence: missense variant.
Genome position (GRCh38, 1-based): chr4:186,589,187, C>G on the plus strand (G>C on the coding strand, the complement: FAT1 is on the minus strand). VCF-style: chr4-186589187-C-G. GRCh37 (hg19) VCF-style: chr4-187510341-C-G.
Other names: c.13172G>C (NM_005245.3); short protein forms S4391T.
Identifiers: ClinVar variation 2040812 (VCV002040812.2), dbSNP rs369994223, ClinGen allele CA3164596.
Genomic context (GRCh38, chr4:186,589,187, plus strand): 5'-GGTGTCTGCTCATCAATCACCTCATAGTTGGGGAACTCTTGTATGTCCGGCAGAGGAACG[C>G]TTGGCATCCAATCTGATGTATCCCAGTGATACCCTTGGTGGAAAAGAAAACAGATGTCAG-3'
Protein context (NP_005236.2, residues 4381-4401): YHWDTSDWMP[Ser4391Thr]VPLPDIQEFP

ClinVar aggregate classification (germline): Uncertain significance. Review status: criteria provided, multiple submitters, no conflicts (2 of 4 stars). 2 submissions from 2 submitters: Uncertain significance (2). Last evaluated 2023-12-22.

Conditions:
Inborn genetic diseases. Identifiers: MedGen C0950123, MeSH D030342.

Allele frequency attached by ClinVar (database versions not stated): ExAC 0.00002; gnomAD 0.00007; TOPMed 0.00015.
gnomAD v4.1: 62 of 1,613,154 alleles (0.0038%); highest among the groups gnomAD compares: African/African-American, 0.02%; no homozygotes.

Submissions (2):

Ambry Genetics
Classification: Uncertain significance for Inborn genetic diseases. Last evaluated: 2023-12-22. Review status: criteria provided, single submitter. Criteria: Ambry Variant Classification Scheme 2023. Collection method: clinical testing. Allele origin: germline.

Labcorp Genetics (formerly Invitae), Labcorp
Classification: Uncertain significance. Last evaluated: 2022-03-15. Review status: criteria provided, single submitter. Criteria: Invitae Variant Classification Sherloc (09022015). Collection method: clinical testing. Allele origin: germline.
Comment: This sequence change replaces serine, which is neutral and polar, with threonine, which is neutral and polar, at codon 4391 of the FAT1 protein (p.Ser4391Thr). This variant is present in population databases (rs369994223, gnomAD 0.009%). This variant has not been reported in the literature in individuals affected with FAT1-related conditions. Algorithms developed to predict the effect of missense changes on protein structure and function output the following: SIFT: "Deleterious"; PolyPhen-2: "Benign"; Align-GVGD: "Class C55". The threonine amino acid residue is found in multiple mammalian species, which suggests that this missense change does not adversely affect protein function. In summary, the available evidence is currently insufficient to determine the role of this variant in disease. Therefore, it has been classified as a Variant of Uncertain Significance.